The following is an entry in ClinVar:

NM_005591.4(MRE11):c.751A>G (p.Ile251Val)

Gene: MRE11 (MRE11 double strand break repair nuclease; minus strand). Cytogenetic location: 11q21.
Variant type: single nucleotide variant.
Coding change: c.751A>G on transcript NM_005591.4 (MANE Select); coding-DNA position 751, A replaced by G.
Protein change: p.Ile251Val; replaces isoleucine 251 with valine.
Molecular consequence: missense variant.
Genome position (GRCh38, 1-based): chr11:94,471,668, T>C on the plus strand (A>G on the coding strand, the complement: MRE11 is on the minus strand). VCF-style: chr11-94471668-T-C. GRCh37 (hg19) VCF-style: chr11-94204834-T-C.
Other names: c.751A>G, p.Ile251Val (NM_001330347.2, NM_005590.4); short protein forms I251V.
Identifiers: ClinVar variation 1681606 (VCV001681606.6), dbSNP rs1298074499, ClinGen allele CA382375754.

ClinVar aggregate classification (germline): Uncertain significance (1 of 4 stars; one submission).

Conditions:
Ataxia-telangiectasia-like disorder (ATLD). Identifiers: MedGen C1858391, MONDO:0011457.

Allele frequency attached by ClinVar (database versions not stated): gnomAD exomes below 0.00001.
gnomAD v4.1: 1 of 1,612,852 alleles (0.000062%); no homozygotes.

Submission:

Labcorp Genetics (formerly Invitae), Labcorp
Classification: Uncertain significance for Ataxia-telangiectasia-like disorder. Last evaluated: 2021-08-06. Review status: criteria provided, single submitter. Criteria: Invitae Variant Classification Sherloc (09022015). Collection method: clinical testing. Allele origin: germline.
Comment: In summary, the available evidence is currently insufficient to determine the role of this variant in disease. Therefore, it has been classified as a Variant of Uncertain Significance. Algorithms developed to predict the effect of missense changes on protein structure and function are either unavailable or do not agree on the potential impact of this missense change (SIFT: "Tolerated"; PolyPhen-2: "Possibly Damaging"; Align-GVGD: "Class C0"). This variant has not been reported in the literature in individuals affected with MRE11-related conditions. This variant is not present in population databases (ExAC no frequency). This sequence change replaces isoleucine with valine at codon 251 of the MRE11 protein (p.Ile251Val). The isoleucine residue is highly conserved and there is a small physicochemical difference between isoleucine and valine.